The following is an entry in ClinVar:

NM_003052.5(SLC34A1):c.1825C>T (p.Pro609Ser)

Gene: SLC34A1 (solute carrier family 34 member 1; plus strand). Cytogenetic location: 5q35.3.
Variant type: single nucleotide variant.
Coding change: c.1825C>T on transcript NM_003052.5 (MANE Select); coding-DNA position 1825, C replaced by T.
Protein change: p.Pro609Ser; replaces proline 609 with serine.
Molecular consequence: missense variant.
Genome position (GRCh38, 1-based): chr5:177,398,191, C>T. VCF-style: chr5-177398191-C-T. GRCh37 (hg19) VCF-style: chr5-176825192-C-T.
Other names: short protein forms P609S.
Identifiers: ClinVar variation 2062975 (VCV002062975.4), dbSNP rs931407217, ClinGen allele CA132830398.

ClinVar aggregate classification (germline): Uncertain significance. Review status: criteria provided, multiple submitters, no conflicts (2 of 4 stars). 2 submissions from 2 submitters: Uncertain significance (2). Last evaluated 2024-04-11.

Conditions:
Inborn genetic diseases. Identifiers: MedGen C0950123, MeSH D030342.

Allele frequency attached by ClinVar (database versions not stated): gnomAD 0.00002; gnomAD exomes 0.00002; TOPMed 0.00002.
gnomAD v4.1: 34 of 1,610,024 alleles (0.0021%); highest among the groups gnomAD compares: Non-Finnish European, 0.0029%; no homozygotes.

Submissions (2):

Labcorp Genetics (formerly Invitae), Labcorp
Classification: Uncertain significance. Last evaluated: 2024-04-11. Review status: criteria provided, single submitter. Criteria: Invitae Variant Classification Sherloc (09022015). Collection method: clinical testing. Allele origin: germline.
Comment: This sequence change replaces proline, which is neutral and non-polar, with serine, which is neutral and polar, at codon 609 of the SLC34A1 protein (p.Pro609Ser). This variant is present in population databases (no rsID available, gnomAD 0.004%). This variant has not been reported in the literature in individuals affected with SLC34A1-related conditions. ClinVar contains an entry for this variant (Variation ID: 2062975). Advanced modeling of protein sequence and biophysical properties (such as structural, functional, and spatial information, amino acid conservation, physicochemical variation, residue mobility, and thermodynamic stability) performed at Invitae indicates that this missense variant is not expected to disrupt SLC34A1 protein function with a negative predictive value of 80%. In summary, the available evidence is currently insufficient to determine the role of this variant in disease. Therefore, it has been classified as a Variant of Uncertain Significance.

Ambry Genetics
Classification: Uncertain significance for Inborn genetic diseases. Last evaluated: 2022-10-25. Review status: criteria provided, single submitter. Criteria: Ambry Variant Classification Scheme 2023. Collection method: clinical testing. Allele origin: germline.